The following is an entry in ClinVar:

NM_001164665.2(KIAA1549):c.4405G>A (p.Val1469Met)

Gene: KIAA1549 (KIAA1549; minus strand). Cytogenetic location: 7q34.
Variant type: single nucleotide variant.
Coding change: c.4405G>A on transcript NM_001164665.2 (MANE Select); coding-DNA position 4405, G replaced by A.
Protein change: p.Val1469Met; replaces valine 1469 with methionine.
Molecular consequence: missense variant.
Genome position (GRCh38, 1-based): chr7:138,871,303, C>T on the plus strand (G>A on the coding strand, the complement: KIAA1549 is on the minus strand). VCF-style: chr7-138871303-C-T. GRCh37 (hg19) VCF-style: chr7-138556049-C-T.
Other names: c.4405G>A, p.Val1469Met (NM_020910.3); short protein forms V1469M.
Identifiers: ClinVar variation 1426823 (VCV001426823.7), dbSNP rs770912507, ClinGen allele CA4505910.

ClinVar aggregate classification (germline): Uncertain significance. Review status: criteria provided, multiple submitters, no conflicts (2 of 4 stars). 2 submissions from 2 submitters: Uncertain significance (2). Last evaluated 2023-10-25.

Allele frequency attached by ClinVar (database versions not stated): ExAC 0.00001; gnomAD 0.00001 and 0.00003; gnomAD exomes 0.00002 and 0.00003; TOPMed 0.00003.
gnomAD v4.1: 45 of 1,605,682 alleles (0.0028%); highest among the groups gnomAD compares: Non-Finnish European, 0.0037%; no homozygotes.

Submissions (2):

Blueprint Genetics
Classification: Uncertain significance. Last evaluated: 2023-10-25. Review status: criteria provided, single submitter. Criteria: ACMG Guidelines, 2015. Collection method: clinical testing. Allele origin: germline.

Labcorp Genetics (formerly Invitae), Labcorp
Classification: Uncertain significance. Last evaluated: 2022-01-14. Review status: criteria provided, single submitter. Criteria: Invitae Variant Classification Sherloc (09022015). Collection method: clinical testing. Allele origin: germline.
Comment: In summary, the available evidence is currently insufficient to determine the role of this variant in disease. Therefore, it has been classified as a Variant of Uncertain Significance. Algorithms developed to predict the effect of missense changes on protein structure and function are either unavailable or do not agree on the potential impact of this missense change (SIFT: "Deleterious"; PolyPhen-2: "Probably Damaging"; Align-GVGD: "Class C15"). This variant has not been reported in the literature in individuals affected with KIAA1549-related conditions. This variant is present in population databases (rs770912507, gnomAD 0.004%). This sequence change replaces valine, which is neutral and non-polar, with methionine, which is neutral and non-polar, at codon 1469 of the KIAA1549 protein (p.Val1469Met).